The following is an entry in ClinVar:

NM_032119.4(ADGRV1):c.12212G>A (p.Arg4071Gln)

Gene: ADGRV1 (adhesion G protein-coupled receptor V1; plus strand). Cytogenetic location: 5q14.3.
Variant type: single nucleotide variant.
Coding change: c.12212G>A on transcript NM_032119.4 (MANE Select); coding-DNA position 12212, G replaced by A.
Protein change: p.Arg4071Gln; replaces arginine 4071 with glutamine.
Molecular consequence: missense variant. On other transcripts: non-coding transcript variant (1).
Genome position (GRCh38, 1-based): chr5:90,763,396, G>A. VCF-style: chr5-90763396-G-A. GRCh37 (hg19) VCF-style: chr5-90059213-G-A.
Other names: short protein forms R4071Q.
Identifiers: ClinVar variation 178366 (VCV000178366.69), dbSNP rs202190568, ClinGen allele CA182191.
Genomic context (GRCh38, chr5:90,763,396, plus strand): 5'-ACCCTGATTCATATGTGACATTGACGGTTGTCCGGTCCCCAGGAGGAAAAGGAACCGTCC[G>A]ACTTGAGTGGACCATAGATGAGAAGGCTAAACATAACCTTAGTCCTTTGAATGGGACCCT-3'
Protein context (NP_115495.3, residues 4061-4081): VRSPGGKGTV[Arg4071Gln]LEWTIDEKAK

ClinVar aggregate classification (germline): Conflicting classifications of pathogenicity. Review status: criteria provided, conflicting classifications (1 of 4 stars). 10 submissions from 10 submitters: Uncertain significance (4); Likely benign (6). Last evaluated 2026-05-01.

Conditions:
ADGRV1-related disorder. Also called: ADGRV1-related condition; ADGRV1-related disorders.
Usher syndrome type 2C. Also called: Usher syndrome, type 2B; USHER SYNDROME, TYPE IIC. Identifiers: Orphanet 231178, Orphanet 886, MedGen C2931213, MONDO:0011558, OMIM 605472.

Allele frequency attached by ClinVar (database versions not stated): ESP Exome Variant Server 0.00059; ExAC 0.00065; TOPMed 0.00067; gnomAD 0.00072 and 0.00074; gnomAD exomes 0.00072.
gnomAD v4.1: 1,354 of 1,613,418 alleles (0.084%); highest among the groups gnomAD compares: Non-Finnish European, 0.1%; 1 homozygote.

Submissions (10):

CeGaT Center for Human Genetics Tuebingen
Classification: Likely benign. Last evaluated: 2026-05-01. Review status: criteria provided, single submitter. Criteria: CeGaT Center For Human Genetics Tuebingen Variant Classification Criteria Version 2. Collection method: clinical testing. Allele origin: germline. Affected: yes. Observed: 2 variant alleles.
Comment: ADGRV1: BP1, BP4, BS2

Labcorp Genetics (formerly Invitae), Labcorp
Classification: Likely benign. Last evaluated: 2026-01-26. Review status: criteria provided, single submitter. Criteria: Invitae Variant Classification Sherloc (09022015). Collection method: clinical testing. Allele origin: germline.

Blueprint Genetics
Classification: Likely benign. Last evaluated: 2024-11-23. Review status: criteria provided, single submitter. Criteria: ACMG Guidelines, 2015. Collection method: clinical testing. Allele origin: germline.

PreventionGenetics, part of Exact Sciences
Classification: Likely benign for ADGRV1-related condition. Last evaluated: 2024-11-14. Review status: criteria provided, single submitter. Criteria: ACMG Guidelines, 2015. Collection method: clinical testing. Allele origin: germline.
Comment: This variant is classified as likely benign based on ACMG/AMP sequence variant interpretation guidelines (Richards et al. 2015 PMID: 25741868, with internal and published modifications).

Women's Health and Genetics/Laboratory Corporation of America, LabCorp
Classification: Uncertain significance. Last evaluated: 2022-11-09. Review status: criteria provided, single submitter. Criteria: LabCorp Variant Classification Summary - May 2015. Collection method: clinical testing. Allele origin: germline.
Comment: Variant summary: ADGRV1 c.12212G>A (p.Arg4071Gln) results in a conservative amino acid change located in the Na-Ca exchanger/integrin-beta4 domain (IPR003644) of the encoded protein sequence. Five of five in-silico tools predict a benign effect of the variant on protein function. The variant allele was found at a frequency of 0.00072 in 249010 control chromosomes in the gnomAD database, including 1 homozygote. This frequency is not significantly higher than estimated for a pathogenic variant in ADGRV1 causing Usher Syndrome (0.00072 vs 0.0054), allowing no conclusion about variant significance. To our knowledge, no occurrence of c.12212G>A in individuals affected with features of ADGRV1-Related Disorders such as Usher Syndrome type 2C or Familial Febrile Seizures 4 and no experimental evidence demonstrating its impact on protein function have been reported. Six clinical diagnostic laboratories have submitted clinical-significance assessments for this variant to ClinVar after 2014 without evidence for independent evaluation. Multiple laboratories reported the variant with conflicting assessments (VUS, n=3; Likely Benign, n=3). Based on the evidence outlined above, the variant was classified as VUS-possibly benign.

GeneDx
Classification: Likely benign. Last evaluated: 2019-08-07. Review status: criteria provided, single submitter. Criteria: GeneDx Variant Classification Process June 2021. Collection method: clinical testing. Allele origin: germline. Affected: yes.

Illumina Laboratory Services, Illumina
Classification: Uncertain significance for Usher syndrome type 2C. Last evaluated: 2018-01-12. Review status: criteria provided, single submitter. Criteria: ICSL Variant Classification Criteria 13 December 2019. Collection method: clinical testing. Allele origin: germline.

Center for Pediatric Genomic Medicine, Children's Mercy Hospital and Clinics
Classification: Uncertain significance. Last evaluated: 2017-10-04. Review status: criteria provided, single submitter. Criteria: ACMG Guidelines, 2015. Collection method: clinical testing. Allele origin: germline.

Laboratory for Molecular Medicine, Mass General Brigham Personalized Medicine
Classification: Likely benign. Last evaluated: 2016-10-06. Review status: criteria provided, single submitter. Criteria: LMM Criteria. Collection method: clinical testing. Allele origin: germline. Observed: 2 variant alleles.
Comment: p.Arg4071Gln in exon 59 of GPR98: This variant is not expected to have clinical significance due to a lack of conservation across species, including mammals. Of note, more than 10 different mammals have a glutamine (Gln) at this position despite high nearby amino acid conservation. In addition, this variant was iden tified in 0.1% (74/66372) of European chromosomes by the Exome Aggregation Conso rtium (ExAC; dbSNP rs202190568).

Eurofins Ntd Llc (ga)
Classification: Uncertain significance. Last evaluated: 2014-08-22. Review status: criteria provided, single submitter. Criteria: EGL Classification Definitions 2015. Collection method: clinical testing. Allele origin: germline. Observed: 2 variant alleles, 2 heterozygotes.